The following is an entry in ClinVar:

ClinVar aggregate classification (germline): Conflicting classifications of pathogenicity. Review status: criteria provided, conflicting classifications (1 of 4 stars). 5 submissions from 5 submitters: Uncertain significance (1); Likely benign (4). Last evaluated 2026-07-16.

Conditions:
SMARCA4-related disorder. Also called: SMARCA4-related condition.
Hereditary cancer-predisposing syndrome. Also called: Neoplastic Syndromes, Hereditary; Hereditary neoplastic syndrome; Hereditary Cancer Syndrome; Tumor predisposition. Identifiers: Orphanet 140162, MedGen C0027672, MeSH D009386, MONDO:0015356.
Rhabdoid tumor predisposition syndrome 2 (RTPS2). Identifiers: Orphanet 231108, Orphanet 69077, MedGen C2750074, MONDO:0013224, OMIM 613325.

Allele frequency attached by ClinVar (database versions not stated): gnomAD exomes 0.00003 and 0.00006; TOPMed 0.00004; gnomAD 0.00005.
gnomAD v4.1: 60 of 1,613,016 alleles (0.0037%); highest among the groups gnomAD compares: Non-Finnish European, 0.00076%; no homozygotes.

Submissions (5):

PreventionGenetics, part of Exact Sciences
Classification: Likely benign for SMARCA4-related condition. Last evaluated: 2026-07-16. Review status: criteria provided, single submitter. Criteria: ACMG Guidelines, 2015. Collection method: clinical testing. Allele origin: germline.
Comment: This variant is classified as likely benign based on ACMG/AMP sequence variant interpretation guidelines (Richards et al. 2015 PMID: 25741868, with internal and published modifications).

Labcorp Genetics (formerly Invitae), Labcorp
Classification: Likely benign for Rhabdoid tumor predisposition syndrome 2. Last evaluated: 2026-01-20. Review status: criteria provided, single submitter. Criteria: Invitae Variant Classification Sherloc (09022015). Collection method: clinical testing. Allele origin: germline.

GeneDx
Classification: Uncertain significance. Last evaluated: 2024-04-05. Review status: criteria provided, single submitter. Criteria: GeneDx Variant Classification Process June 2021. Collection method: clinical testing. Allele origin: germline. Affected: yes.
Comment: In silico analysis supports that this missense variant has a deleterious effect on protein structure/function; This variant is associated with the following publications: (PMID: 29629977, 24658002, 37095444)

Sema4
Classification: Likely benign for Hereditary cancer-predisposing syndrome. Last evaluated: 2020-08-28. Review status: criteria provided, single submitter. Criteria: Sema4 Curation Guidelines. Collection method: curation. Allele origin: germline.

Ambry Genetics
Classification: Likely benign for Hereditary cancer-predisposing syndrome. Last evaluated: 2019-12-17. Review status: criteria provided, single submitter. Criteria: Ambry Variant Classification Scheme 2023. Collection method: clinical testing. Allele origin: germline.

NM_003072.5(SMARCA4):c.4508A>T (p.Lys1503Met)

Gene: SMARCA4 (SWI/SNF related BAF chromatin remodeling complex subunit ATPase 4; plus strand). Cytogenetic location: 19p13.2.
Variant type: single nucleotide variant.
Coding change: c.4508A>T on transcript NM_003072.5 (MANE Select); coding-DNA position 4508, A replaced by T.
Protein change: p.Lys1503Met; replaces lysine 1503 with methionine.
Molecular consequence: missense variant. On other transcripts: non-coding transcript variant (1).
Genome position (GRCh38, 1-based): chr19:11,058,338, A>T. VCF-style: chr19-11058338-A-T. GRCh37 (hg19) VCF-style: chr19-11169014-A-T.
Other names: c.4508A>T, p.Lys1503Met (NM_001128844.3); c.4418A>T, p.Lys1473Met (NM_001128845.2); c.4415A>T, p.Lys1472Met (NM_001128846.2); c.4409A>T, p.Lys1470Met (NM_001128847.4, NM_001374457.1); c.4406A>T, p.Lys1469Met (NM_001128848.2); c.4604A>T, p.Lys1535Met (NM_001128849.3, NM_001387283.1); short protein forms K1535M, K1503M, K1470M, K1473M, K1469M, K1472M.
Identifiers: ClinVar variation 238477 (VCV000238477.20), dbSNP rs747829176, ClinGen allele CA9204759.